The following is an entry in ClinVar:

ClinVar aggregate classification (germline): Uncertain significance. Review status: criteria provided, multiple submitters, no conflicts (2 of 4 stars). 2 submissions from 2 submitters: Uncertain significance (2). Last evaluated 2025-09-01.

Conditions:
Epileptic encephalopathy. Identifiers: MedGen C0543888, HP:0200134.

Allele frequency attached by ClinVar (database versions not stated): gnomAD 0.00002; TOPMed 0.00003.

Submissions (2):

Ambry Genetics
Classification: Uncertain significance. Last evaluated: 2025-09-01. Review status: criteria provided, single submitter. Criteria: Ambry Variant Classification Scheme 2023. Collection method: clinical testing. Allele origin: germline.

Labcorp Genetics (formerly Invitae), Labcorp
Classification: Uncertain significance for Epileptic encephalopathy. Last evaluated: 2024-04-25. Review status: criteria provided, single submitter. Criteria: Invitae Variant Classification Sherloc (09022015). Collection method: clinical testing. Allele origin: germline.
Comment: This sequence change replaces proline, which is neutral and non-polar, with leucine, which is neutral and non-polar, at codon 1365 of the FASN protein (p.Pro1365Leu). This variant is not present in population databases (gnomAD no frequency). This variant has not been reported in the literature in individuals affected with FASN-related conditions. ClinVar contains an entry for this variant (Variation ID: 1427267). Algorithms developed to predict the effect of missense changes on protein structure and function output the following: SIFT: "Not Available"; PolyPhen-2: "Benign"; Align-GVGD: "Not Available". The leucine amino acid residue is found in multiple mammalian species, which suggests that this missense change does not adversely affect protein function. In summary, the available evidence is currently insufficient to determine the role of this variant in disease. Therefore, it has been classified as a Variant of Uncertain Significance.

NM_004104.5(FASN):c.4094C>T (p.Pro1365Leu)

Gene: FASN (fatty acid synthase; minus strand). Cytogenetic location: 17q25.3.
Variant type: single nucleotide variant.
Coding change: c.4094C>T on transcript NM_004104.5 (MANE Select); coding-DNA position 4094, C replaced by T.
Protein change: p.Pro1365Leu; replaces proline 1365 with leucine.
Molecular consequence: missense variant.
Genome position (GRCh38, 1-based): chr17:82,085,510, G>A on the plus strand (C>T on the coding strand, the complement: FASN is on the minus strand). VCF-style: chr17-82085510-G-A. GRCh37 (hg19) VCF-style: chr17-80043386-G-A.
Other names: c.4094C>T (NM_004104.4); short protein forms P1365L.
Identifiers: ClinVar variation 1427267 (VCV001427267.9), dbSNP rs902738984, ClinGen allele CA295130087.